The following is an entry in ClinVar:

ClinVar aggregate classification (germline): Likely benign. Review status: criteria provided, multiple submitters, no conflicts (2 of 4 stars). 2 submissions from 2 submitters: Likely benign (2). Last evaluated 2026-07-06.

Conditions:
TUBB4B-related disorder. Also called: TUBB4B-related condition.

gnomAD v4.1: 32 of 1,613,876 alleles (0.002%); highest among the groups gnomAD compares: African/African-American, 0.012%; no homozygotes.

Submissions (2):

PreventionGenetics, part of Exact Sciences
Classification: Likely benign for TUBB4B-related condition. Last evaluated: 2026-07-06. Review status: criteria provided, single submitter. Criteria: ACMG Guidelines, 2015. Collection method: clinical testing. Allele origin: germline.
Comment: This variant is classified as likely benign based on ACMG/AMP sequence variant interpretation guidelines (Richards et al. 2015 PMID: 25741868, with internal and published modifications).

Blueprint Genetics
Classification: Likely benign. Last evaluated: 2022-03-15. Review status: criteria provided, single submitter. Criteria: ACMG Guidelines, 2015. Collection method: clinical testing. Allele origin: germline.

NM_006088.6(TUBB4B):c.576C>T (p.Leu192=)

Gene: TUBB4B (tubulin beta 4B class IVb; plus strand). Cytogenetic location: 9q34.3.
Variant type: single nucleotide variant.
Coding change: c.576C>T on transcript NM_006088.6 (MANE Select); coding-DNA position 576, C replaced by T.
Protein change: p.Leu192=; no amino-acid change (leucine 192 retained).
Molecular consequence: synonymous variant.
Genome position (GRCh38, 1-based): chr9:137,242,794, C>T. VCF-style: chr9-137242794-C-T. GRCh37 (hg19) VCF-style: chr9-140137246-C-T.
Other names: c.576C>T (NM_006088.5).
Identifiers: ClinVar variation 4906210 (VCV004906210.2).